The following is an entry in ClinVar:

NM_001365999.1(SZT2):c.1335A>T (p.Ala445=)

Gene: SZT2 (SZT2 subunit of KICSTOR complex; plus strand). Cytogenetic location: 1p34.2.
Variant type: single nucleotide variant.
Coding change: c.1335A>T on transcript NM_001365999.1 (MANE Select); coding-DNA position 1335, A replaced by T.
Protein change: p.Ala445=; no amino-acid change (alanine 445 retained).
Molecular consequence: synonymous variant.
Genome position (GRCh38, 1-based): chr1:43,420,822, A>T. VCF-style: chr1-43420822-A-T. GRCh37 (hg19) VCF-style: chr1-43886493-A-T.
Other names: c.1335A>T, p.Ala445= (NM_015284.4).
Identifiers: ClinVar variation 588186 (VCV000588186.29), dbSNP rs377411973, ClinGen allele CA808397.

ClinVar aggregate classification (germline): Likely benign. Review status: criteria provided, multiple submitters, no conflicts (2 of 4 stars). 6 submissions from 6 submitters: Likely benign (6). Last evaluated 2026-09-23.

Conditions:
Inborn genetic diseases. Identifiers: MedGen C0950123, MeSH D030342.
SZT2-related disorder. Also called: SZT2-related condition.
Developmental and epileptic encephalopathy, 18 (DEE18). Also called: Early infantile epileptic encephalopathy 18. Identifiers: Orphanet 369894, MedGen C3809624, MONDO:0014201, OMIM 615476.

Allele frequency attached by ClinVar (database versions not stated): ExAC 0.00029; gnomAD 0.00029 and 0.00027; gnomAD exomes 0.00032 and 0.00021; TOPMed 0.00005; 1000 Genomes Project 30x 0.00016; ESP Exome Variant Server 0.00017; 1000 Genomes Project 0.00020.
gnomAD v4.1: 341 of 1,598,406 alleles (0.021%); highest among the groups gnomAD compares: South Asian, 0.096%; no homozygotes.

Submissions (6):

PreventionGenetics, part of Exact Sciences
Classification: Likely benign for SZT2-related condition. Last evaluated: 2026-09-23. Review status: criteria provided, single submitter. Criteria: ACMG Guidelines, 2015. Collection method: clinical testing. Allele origin: germline.
Comment: This variant is classified as likely benign based on ACMG/AMP sequence variant interpretation guidelines (Richards et al. 2015 PMID: 25741868, with internal and published modifications).

Labcorp Genetics (formerly Invitae), Labcorp
Classification: Likely benign. Last evaluated: 2026-01-18. Review status: criteria provided, single submitter. Criteria: Invitae Variant Classification Sherloc (09022015). Collection method: clinical testing. Allele origin: germline.

CeGaT Center for Human Genetics Tuebingen
Classification: Likely benign. Last evaluated: 2025-05-01. Review status: criteria provided, single submitter. Criteria: CeGaT Center For Human Genetics Tuebingen Variant Classification Criteria Version 2. Collection method: clinical testing. Allele origin: germline. Affected: yes. Observed: 1 variant allele.
Comment: SZT2: BP4, BP7

Blueprint Genetics
Classification: Likely benign. Last evaluated: 2024-09-15. Review status: criteria provided, single submitter. Criteria: ACMG Guidelines, 2015. Collection method: clinical testing. Allele origin: germline.

Genome-Nilou Lab
Classification: Likely benign for Developmental and epileptic encephalopathy, 18. Last evaluated: 2023-04-11. Review status: criteria provided, single submitter. Criteria: ACMG Guidelines, 2015. Collection method: clinical testing. Allele origin: germline. Affected: no.

Ambry Genetics
Classification: Likely benign for Inborn genetic diseases. Last evaluated: 2016-08-23. Review status: criteria provided, single submitter. Criteria: Ambry Variant Classification Scheme 2023. Collection method: clinical testing. Allele origin: germline.